The following is an entry in ClinVar:

NM_004268.5(MED17):c.324_325dup (p.Met109fs)

Gene: MED17 (mediator complex subunit 17; plus strand). Cytogenetic location: 11q21.
Variant type: Microsatellite.
Coding change: c.324_325dup on transcript NM_004268.5 (MANE Select); coding-DNA positions 324 to 325, 2 bases duplicated (GA; older notation c.324_325dupGA).
Protein change: p.Met109fs; shifts the reading frame from methionine 109.
Molecular consequence: frameshift variant.
Genome position (GRCh38, 1-based): chr11:93,788,074-93,788,075, GA duplicated; duplicating any 2 consecutive bases within chr11:93,788,071-93,788,075 gives the same sequence; the c. name uses the placement nearest the transcript's 3' end. VCF-style (leftmost placement, unchanged base first): chr11-93788070-C-CAG. GRCh37 (hg19) VCF-style: chr11-93521236-C-CAG.
Other names: c.324_325dupGA (NM_004268.5); short protein forms M109fs.
Identifiers: ClinVar variation 4688997 (VCV004688997.1).

ClinVar aggregate classification (germline): Pathogenic (1 of 4 stars; one submission).

Conditions:
Infantile cerebral and cerebellar atrophy with postnatal progressive microcephaly (MSBA). Identifiers: Orphanet 402364, MedGen C3150921, MONDO:0013351, OMIM 613668.

Submission:

Women's Health and Genetics/Laboratory Corporation of America, LabCorp
Classification: Pathogenic for Infantile cerebral and cerebellar atrophy with postnatal progressive microcephaly. Last evaluated: 2026-01-22. Review status: criteria provided, single submitter. Criteria: LabCorp Variant Classification Summary - May 2015. Collection method: clinical testing. Allele origin: germline.
Comment: Variant summary: MED17 c.324_325dupGA (p.Met109ArgfsX18) results in a premature termination codon, predicted to cause a truncation of the encoded protein or absence of the protein due to nonsense mediated decay, which are commonly known mechanisms for disease. The variant was absent in 251460 control chromosomes. To our knowledge, no occurrence of c.324_325dupGA in individuals affected with MED17-related conditions and no experimental evidence demonstrating its impact on protein function have been reported. No submitters have cited clinical-significance assessments for this variant to ClinVar. Based on the evidence outlined above, the variant was classified as pathogenic.